The following is an entry in ClinVar:

ClinVar aggregate classification (germline): Uncertain significance (1 of 4 stars; one submission).

Conditions:
Reticular dysgenesis. Also called: ALEUKOCYTOSIS; CONGENITAL ALEUKIA; HEMATOPOIETIC HYPOPLASIA, GENERALIZED; RETICULAR DYSGENESIA; SEVERE COMBINED IMMUNODEFICIENCY WITH LEUKOPENIA; DeVaal disease. Identifiers: Orphanet 33355, MedGen C0272167, MONDO:0009973, OMIM 267500.

Submission:

Labcorp Genetics (formerly Invitae), Labcorp
Classification: Uncertain significance for Reticular dysgenesis. Last evaluated: 2022-03-10. Review status: criteria provided, single submitter. Criteria: Invitae Variant Classification Sherloc (09022015). Collection method: clinical testing. Allele origin: germline.
Comment: In summary, the available evidence is currently insufficient to determine the role of this variant in disease. Therefore, it has been classified as a Variant of Uncertain Significance. Experimental studies and prediction algorithms are not available or were not evaluated, and the functional significance of this variant is currently unknown. A similar copy number variant has been observed in individual(s) with reticular dysgenesis (PMID: 19043416). This variant is a gross deletion of the genomic region encompassing exon(s) 2 of the AK2 gene. This variant would be expected to be in-frame, preserving the integrity of the reading frame.

Literature cited by the submitters: PubMed 19043416.

NC_000001.11:g.(?_33024422)_(33024587_?)del

Gene: AK2 (adenylate kinase 2; minus strand). Cytogenetic location: 1p35.1.
Variant type: Deletion.
Identifiers: ClinVar variation 584028 (VCV000584028.9).